The following is an entry in ClinVar:

NM_177972.3(TUB):c.1095G>C (p.Gln365His)

Genes: RIC3 (RIC3 acetylcholine receptor chaperone; minus strand), TUB (TUB bipartite transcription factor; plus strand). Cytogenetic location: 11p15.4.
Variant type: single nucleotide variant.
Coding change: c.1095G>C on transcript NM_177972.3 (MANE Select); coding-DNA position 1095, G replaced by C.
Protein change: p.Gln365His; replaces glutamine 365 with histidine.
Molecular consequence: missense variant.
Genome position (GRCh38, 1-based): chr11:8,098,854, G>C. VCF-style: chr11-8098854-G-C. GRCh37 (hg19) VCF-style: chr11-8120401-G-C.
Other names: c.1260G>C, p.Gln420His (NM_003320.5); short protein forms Q365H, Q420H.
Identifiers: ClinVar variation 944406 (VCV000944406.7), dbSNP rs376825080, ClinGen allele CA5871329.

ClinVar aggregate classification (germline): Uncertain significance (1 of 4 stars; one submission).

Allele frequency attached by ClinVar (database versions not stated): gnomAD exomes 0.00001; ExAC 0.00001; ESP Exome Variant Server 0.00008.
gnomAD v4.1: 12 of 1,614,014 alleles (0.00074%); highest among the groups gnomAD compares: Non-Finnish European, 0.00093%; no homozygotes.

Submission:

Labcorp Genetics (formerly Invitae), Labcorp
Classification: Uncertain significance. Last evaluated: 2022-02-11. Review status: criteria provided, single submitter. Criteria: Invitae Variant Classification Sherloc (09022015). Collection method: clinical testing. Allele origin: germline.
Comment: ClinVar contains an entry for this variant (Variation ID: 944406). This variant has not been reported in the literature in individuals affected with TUB-related conditions. This variant is present in population databases (rs376825080, gnomAD 0.002%). This sequence change replaces glutamine, which is neutral and polar, with histidine, which is basic and polar, at codon 420 of the TUB protein (p.Gln420His). Algorithms developed to predict the effect of missense changes on protein structure and function are either unavailable or do not agree on the potential impact of this missense change (SIFT: "Deleterious"; PolyPhen-2: "Probably Damaging"; Align-GVGD: "Class C0"). In summary, the available evidence is currently insufficient to determine the role of this variant in disease. Therefore, it has been classified as a Variant of Uncertain Significance.